The following is an entry in ClinVar:

ClinVar aggregate classification (germline): Uncertain significance. Review status: criteria provided, multiple submitters, no conflicts (2 of 4 stars). 2 submissions from 2 submitters: Uncertain significance (2). Last evaluated 2025-02-19.

Conditions:
LRRC8A-related disorder. Also called: LRRC8A-related condition.

Allele frequency attached by ClinVar (database versions not stated): gnomAD 0.00001; TOPMed 0.00002; ExAC 0.00003; gnomAD exomes 0.00003; 1000 Genomes Project 0.00020; 1000 Genomes Project 30x 0.00031.
gnomAD v4.1: 47 of 1,613,330 alleles (0.0029%); highest among the groups gnomAD compares: African/African-American, 0.004%; no homozygotes.

Submissions (2):

PreventionGenetics, part of Exact Sciences
Classification: Uncertain significance for LRRC8A-related condition. Last evaluated: 2025-02-19. Review status: criteria provided, single submitter. Criteria: ACMG Guidelines, 2015. Collection method: clinical testing. Allele origin: germline.
Comment: The LRRC8A c.2254G>A variant is predicted to result in the amino acid substitution p.Glu752Lys. To our knowledge, this variant has not been reported in the literature. This variant is reported in 0.019% of alleles in individuals of African descent in gnomAD v2 (as displayed in the table above). However, in gnomAD v4 (available only on GRCh38), this variant is reported in 47 alleles out of ~1,613,000 total alleles. This population data is not consistent with this variant being a primary cause of disease. Although we suspect that this variant may be benign, at this time, the clinical significance of this variant is uncertain due to the absence of conclusive functional and genetic evidence.

Labcorp Genetics (formerly Invitae), Labcorp
Classification: Uncertain significance. Last evaluated: 2024-10-22. Review status: criteria provided, single submitter. Criteria: Invitae Variant Classification Sherloc (09022015). Collection method: clinical testing. Allele origin: germline.
Comment: This sequence change replaces glutamic acid, which is acidic and polar, with lysine, which is basic and polar, at codon 752 of the LRRC8A protein (p.Glu752Lys). This variant is present in population databases (rs200535573, gnomAD 0.02%). This variant has not been reported in the literature in individuals affected with LRRC8A-related conditions. ClinVar contains an entry for this variant (Variation ID: 1984128). An algorithm developed to predict the effect of missense changes on protein structure and function (PolyPhen-2) suggests that this variant is likely to be disruptive. In summary, the available evidence is currently insufficient to determine the role of this variant in disease. Therefore, it has been classified as a Variant of Uncertain Significance.

NM_019594.4(LRRC8A):c.2254G>A (p.Glu752Lys)

Gene: LRRC8A (leucine rich repeat containing 8 VRAC subunit A; plus strand). Cytogenetic location: 9q34.11.
Variant type: single nucleotide variant.
Coding change: c.2254G>A on transcript NM_019594.4 (MANE Select); coding-DNA position 2254, G replaced by A.
Protein change: p.Glu752Lys; replaces glutamic acid 752 with lysine.
Molecular consequence: missense variant.
Genome position (GRCh38, 1-based): chr9:128,916,192, G>A. VCF-style: chr9-128916192-G-A. GRCh37 (hg19) VCF-style: chr9-131678471-G-A.
Other names: c.2254G>A, p.Glu752Lys (NM_001127244.2, NM_001127245.2); short protein forms E752K.
Identifiers: ClinVar variation 1984128 (VCV001984128.5), dbSNP rs200535573, ClinGen allele CA5271049.